The following is an entry in ClinVar:

ClinVar aggregate classification (germline): other (0 of 4 stars; one submission).

Conditions:
Familial colorectal cancer. Identifiers: MedGen CN280943, MONDO:0023113. Disease mechanism: loss of function.

Submission:

Systems Biology Platform Zhejiang California International NanoSystems Institute
Classification: other for Familial colorectal cancer. Review status: no assertion criteria provided. Collection method: not provided. Allele origin: unknown.
ClinVar note: Converted during submission from cancer to other.

NM_000038.6(APC):c.136-2965G>A

Gene: APC (APC regulator of WNT signaling pathway; plus strand). Cytogenetic location: 5q22.2.
Variant type: single nucleotide variant.
Coding change: c.136-2965G>A on transcript NM_000038.6 (MANE Select); 2965 bases into the intron before coding-DNA position 136, G replaced by A.
Molecular consequence: intron variant.
Genome position (GRCh38, 1-based): chr5:112,763,361, G>A. VCF-style: chr5-112763361-G-A. GRCh37 (hg19) VCF-style: chr5-112099058-G-A.
Other names: c.136-2965G>A (NM_001354895.2, NM_001127510.3, NM_001354896.2 and 2 more transcripts); c.166-2965G>A (NM_001354897.2, NM_001354902.2, NM_001127511.3); c.61-2965G>A (NM_001354898.2, NM_001354904.2); c.-900-2965G>A (NM_001354906.2); c.-42-2965G>A (NM_001354900.2, NM_001354901.2, NM_001354905.2).
Identifiers: ClinVar variation 82382 (VCV000082382.2), dbSNP rs79620312, ClinGen allele CA004686.
Genomic context (GRCh38, chr5:112,763,361, plus strand): 5'-TATATATTCTTTTCTCTATACATTTATGCAAACTTGCATTTGATGACATCATATTTTGCA[G>A]GTTTTTTTTTTCTGTGTAATTTATTGTCATCTTACGTCAGATTATGTATTTTACAGTTGC-3'